The following is an entry in ClinVar:

ClinVar aggregate classification (germline): Uncertain significance (1 of 4 stars; one submission).

Conditions:
Fanconi anemia complementation group J. Also called: BRIP1-Related Fanconi Anemia. Identifiers: Orphanet 84, MedGen C1836860, MONDO:0012187, OMIM 609054.
Familial cancer of breast. Also called: BREAST CANCER, FAMILIAL; Hereditary breast cancer; hereditary breast carcinoma. Identifiers: Orphanet 227535, MedGen C0346153, MONDO:0016419, OMIM 114480. Disease mechanism: loss of function.

Submission:

Labcorp Genetics (formerly Invitae), Labcorp
Classification: Uncertain significance for Familial cancer of breast; Fanconi anemia complementation group J. Last evaluated: 2023-07-24. Review status: criteria provided, single submitter. Criteria: Invitae Variant Classification Sherloc (09022015). Collection method: clinical testing. Allele origin: germline.
Comment: This variant is not present in population databases (gnomAD no frequency). This sequence change replaces isoleucine, which is neutral and non-polar, with valine, which is neutral and non-polar, at codon 985 of the BRIP1 protein (p.Ile985Val). This variant has not been reported in the literature in individuals affected with BRIP1-related conditions. An algorithm developed to predict the effect of missense changes on protein structure and function (PolyPhen-2) suggests that this variant is likely to be tolerated. In summary, the available evidence is currently insufficient to determine the role of this variant in disease. Therefore, it has been classified as a Variant of Uncertain Significance.

NM_032043.3(BRIP1):c.2953A>G (p.Ile985Val)

Gene: BRIP1 (BRCA1 interacting DNA helicase 1; minus strand). Cytogenetic location: 17q23.2.
Variant type: single nucleotide variant.
Coding change: c.2953A>G on transcript NM_032043.3 (MANE Select); coding-DNA position 2953, A replaced by G.
Protein change: p.Ile985Val; replaces isoleucine 985 with valine.
Molecular consequence: missense variant.
Genome position (GRCh38, 1-based): chr17:61,684,093, T>C on the plus strand (A>G on the coding strand, the complement: BRIP1 is on the minus strand). VCF-style: chr17-61684093-T-C. GRCh37 (hg19) VCF-style: chr17-59761454-T-C.
Other names: short protein forms I985V.
Identifiers: ClinVar variation 2950223 (VCV002950223.3), dbSNP rs2544562089, ClinGen allele CA400480674.
Genomic context (GRCh38, chr17:61,684,093, plus strand): 5'-AGCTTGACCAGCTAACTCTCTTTGTTTGTTTGTTGAAAGTTGGGCTTGTGGATCTGGAAA[T>C]CACAATTTTTTCTGCTTTCCCTGCTTCTTCCAGGAATACTGGATCATCTAAGAATACAAG-3'
Protein context (NP_114432.2, residues 975-995): EEAGKAEKIV[Ile985Val]SRSTSPTFNK